The following is an entry in ClinVar:

NM_024408.4(NOTCH2):c.6106C>T (p.Arg2036Ter)

Gene: NOTCH2 (notch receptor 2; minus strand). Cytogenetic location: 1p12.
Variant type: single nucleotide variant.
Coding change: c.6106C>T on transcript NM_024408.4 (MANE Select); coding-DNA position 6106, C replaced by T.
Protein change: p.Arg2036Ter; replaces arginine 2036 with a stop codon.
Molecular consequence: nonsense.
Genome position (GRCh38, 1-based): chr1:119,916,616, G>A on the plus strand (C>T on the coding strand, the complement: NOTCH2 is on the minus strand). VCF-style: chr1-119916616-G-A. GRCh37 (hg19) VCF-style: chr1-120459239-G-A.
Other names: short protein forms R2036*.
Identifiers: ClinVar variation 2639043 (VCV002639043.27), dbSNP rs2101145073, ClinGen allele CA341880920.

ClinVar aggregate classification (germline): Conflicting classifications of pathogenicity. Review status: criteria provided, conflicting classifications (1 of 4 stars). 2 submissions from 2 submitters: Pathogenic (1); Uncertain significance (1). Last evaluated 2023-08-01.

Conditions:
Hajdu-Cheney syndrome (HJCYS). Also called: ACROOSTEOLYSIS WITH OSTEOPOROSIS AND CHANGES IN SKULL AND MANDIBLE; SERPENTINE FIBULA-POLYCYSTIC KIDNEY SYNDROME; Acroosteolysis dominant type. Identifiers: Orphanet 955, MedGen C0917715, MONDO:0007057, OMIM 102500.

gnomAD v4.1: 1 of 1,614,154 alleles (0.000062%); highest among the groups gnomAD compares: Non-Finnish European, 0.000085%; no homozygotes.

Submissions (2):

CeGaT Center for Human Genetics Tuebingen
Classification: Uncertain significance. Last evaluated: 2023-08-01. Review status: criteria provided, single submitter. Criteria: CeGaT Center For Human Genetics Tuebingen Variant Classification Criteria Version 2. Collection method: clinical testing. Allele origin: germline. Affected: yes. Observed: 1 variant allele.
Comment: NOTCH2: PM2, PM4

Labcorp Genetics (formerly Invitae), Labcorp
Classification: Pathogenic for Hajdu-Cheney syndrome. Last evaluated: 2022-12-04. Review status: criteria provided, single submitter. Criteria: Invitae Variant Classification Sherloc (09022015). Collection method: clinical testing. Allele origin: germline.
Comment: This variant disrupts a region of the NOTCH2 protein in which other variant(s) (p.Ile2304Hisfs*9) have been determined to be pathogenic (PMID: 27312922; Invitae). This suggests that this is a clinically significant region of the protein, and that variants that disrupt it are likely to be disease-causing. This variant is not present in population databases (gnomAD no frequency). This variant has not been reported in the literature in individuals affected with NOTCH2-related conditions. This sequence change creates a premature translational stop signal (p.Arg2036*) in the NOTCH2 gene. While this is not anticipated to result in nonsense mediated decay, it is expected to disrupt the last 436 amino acid(s) of the NOTCH2 protein. For these reasons, this variant has been classified as Pathogenic.

Literature cited by the submitters: PubMed 27312922 (cited by Labcorp Genetics (formerly Invitae), Labcorp).